The following is an entry in ClinVar:

NM_152594.3(SPRED1):c.106G>A (p.Gly36Arg)

Gene: SPRED1 (sprouty related EVH1 domain containing 1; plus strand). Cytogenetic location: 15q14.
Variant type: single nucleotide variant.
Coding change: c.106G>A on transcript NM_152594.3 (MANE Select); coding-DNA position 106, G replaced by A.
Protein change: p.Gly36Arg; replaces glycine 36 with arginine.
Molecular consequence: missense variant.
Genome position (GRCh38, 1-based): chr15:38,299,446, G>A. VCF-style: chr15-38299446-G-A. GRCh37 (hg19) VCF-style: chr15-38591647-G-A.
Other names: short protein forms G36R.
Identifiers: ClinVar variation 4174040 (VCV004174040.1).
Genomic context (GRCh38, chr15:38,299,446, plus strand): 5'-CGAGTGCGAGCTGTGGTGATGACCCGAGATGACTCAAGTGGTGGATGGTTACCACTTGGA[G>A]GGAGTGGACTAAGCAGCGTCACTGTCTTCAAAGTCCCTCATCAGGAAGAGAATGGCTGTG-3'
Protein context (NP_689807.1, residues 26-46): DSSGGWLPLG[Gly36Arg]SGLSSVTVFK

ClinVar aggregate classification (germline): Uncertain significance (1 of 4 stars; one submission).

Conditions:
Cardiovascular phenotype. Identifiers: MedGen CN230736.

Submission:

Ambry Genetics
Classification: Uncertain significance for Cardiovascular phenotype. Last evaluated: 2025-07-28. Review status: criteria provided, single submitter. Criteria: Ambry Variant Classification Scheme 2023. Collection method: clinical testing. Allele origin: germline.
Comment: The p.G36R variant (also known as c.106G>A), located in coding exon 2 of the SPRED1 gene, results from a G to A substitution at nucleotide position 106. The glycine at codon 36 is replaced by arginine, an amino acid with dissimilar properties. This amino acid position is conserved. In addition, this alteration is predicted to be deleterious by in silico analysis. Based on the available evidence, the clinical significance of this variant remains unclear.